The following is an entry in ClinVar:

ClinVar aggregate classification (germline): Benign/Likely benign. Review status: criteria provided, multiple submitters, no conflicts (2 of 4 stars). 10 submissions from 10 submitters: Benign (6); Likely benign (3). 1 of the submissions does not count toward it. Last evaluated 2026-09-01.

Conditions:
Joubert syndrome. Also called: JOUBERT-BOLTSHAUSER SYNDROME; Familial aplasia of the vermis. Identifiers: Orphanet 475, MedGen C5979921, MONDO:0018772.
Meckel-Gruber syndrome. Also called: Dysencephalia splachnocystica; GRUBER SYNDROME; DYSENCEPHALIA SPLANCHNOCYSTICA. Identifiers: Orphanet 564, MedGen C0265215, MONDO:0018921.
Joubert syndrome 13 (JBTS13). Identifiers: Orphanet 475, MedGen C3280031, MONDO:0013608, OMIM 614173.

Allele frequency attached by ClinVar (database versions not stated): ESP Exome Variant Server 0.00652; ExAC 0.00739; TOPMed 0.00627; gnomAD exomes 0.00759 and 0.00940; 1000 Genomes Project 0.00359; gnomAD 0.00718 and 0.00723; 1000 Genomes Project 30x 0.00359.
gnomAD v4.1: 14,659 of 1,614,188 alleles (0.91%); highest among the groups gnomAD compares: Non-Finnish European, 1%; 73 homozygotes.

Submissions (10):

CeGaT Center for Human Genetics Tuebingen
Classification: Benign. Last evaluated: 2026-09-01. Review status: criteria provided, single submitter. Criteria: CeGaT Center For Human Genetics Tuebingen Variant Classification Criteria Version 2. Collection method: clinical testing. Allele origin: germline. Affected: yes. Observed: 27 variant alleles.
Comment: TCTN1: BP4, BS1, BS2

Labcorp Genetics (formerly Invitae), Labcorp
Classification: Benign for Joubert syndrome; Meckel-Gruber syndrome. Last evaluated: 2026-02-02. Review status: criteria provided, single submitter. Criteria: Invitae Variant Classification Sherloc (09022015). Collection method: clinical testing. Allele origin: germline.

Mayo Clinic Laboratories, Mayo Clinic
Classification: Benign. Last evaluated: 2023-08-11. Review status: criteria provided, single submitter. Criteria: ACMG Guidelines, 2015. Collection method: clinical testing. Allele origin: germline. Observed: 2 variant alleles.
Comment: BS1, BS2, BP4

Illumina Laboratory Services, Illumina
Classification: Likely benign for Joubert syndrome 13. Last evaluated: 2018-01-13. Review status: criteria provided, single submitter. Criteria: ICSL Variant Classification Criteria 13 December 2019. Collection method: clinical testing. Allele origin: germline.
Comment: This variant was observed in the ICSL laboratory as part of a predisposition screen in an ostensibly healthy population. It had not been previously curated by ICSL or reported in the Human Gene Mutation Database (HGMD: prior to June 1st, 2018), and was therefore a candidate for classification through an automated scoring system. Utilizing variant allele frequency, disease prevalence and penetrance estimates, and inheritance mode, an automated score was calculated to assess if this variant is too frequent to cause the disease. Based on the score and internal cut-off values, a variant classified as likely benign is not then subjected to further curation. The score for this variant resulted in a classification of likely benign for this disease.

Center for Pediatric Genomic Medicine, Children's Mercy Hospital and Clinics
Classification: Likely benign. Last evaluated: 2017-08-23. Review status: criteria provided, single submitter. Criteria: ACMG Guidelines, 2015. Collection method: clinical testing. Allele origin: germline.

GeneDx
Classification: Benign. Last evaluated: 2017-06-05. Review status: criteria provided, single submitter. Criteria: GeneDx Variant Classification (06012015). Collection method: clinical testing. Allele origin: germline. Affected: yes.
Comment: This variant is considered likely benign or benign based on one or more of the following criteria: it is a conservative change, it occurs at a poorly conserved position in the protein, it is predicted to be benign by multiple in silico algorithms, and/or has population frequency not consistent with disease.

Eurofins Ntd Llc (ga)
Classification: Benign. Last evaluated: 2013-10-21. Review status: criteria provided, single submitter. Criteria: EGL Classification Definitions 2015. Collection method: clinical testing. Allele origin: germline. Observed: 1 variant allele, 1 heterozygote.

Breakthrough Genomics
Classification: Likely benign. Review status: criteria provided, single submitter. Criteria: ACMG Guidelines, 2015. Collection method: not provided. Allele origin: germline. Inheritance: Autosomal recessive inheritance. Affected: yes.

PreventionGenetics, part of Exact Sciences
Classification: Benign. Review status: criteria provided, single submitter. Criteria: ACMG Guidelines, 2015. Collection method: clinical testing. Allele origin: germline.

Genetic Services Laboratory, University of Chicago
Classification: Likely benign. Review status: no assertion criteria provided. Collection method: clinical testing. Allele origin: germline. Inheritance: Autosomal recessive inheritance. Not counted in ClinVar's aggregate classification.
Comment: Likely benign based on allele frequency in 1000 Genomes Project or ESP global frequency and its presence in a patient with a rare or unrelated disease phenotype. NOT Sanger confirmed

NM_001082538.3(TCTN1):c.1234A>G (p.Ile412Val)

Gene: TCTN1 (tectonic family member 1; plus strand). Cytogenetic location: 12q24.11.
Variant type: single nucleotide variant.
Coding change: c.1234A>G on transcript NM_001082538.3 (MANE Select); coding-DNA position 1234, A replaced by G.
Protein change: p.Ile412Val; replaces isoleucine 412 with valine.
Molecular consequence: missense variant. On other transcripts: intron variant (2).
Genome position (GRCh38, 1-based): chr12:110,642,292, A>G. VCF-style: chr12-110642292-A-G. GRCh37 (hg19) VCF-style: chr12-111080097-A-G.
Other names: c.1234A>G, p.Ile412Val (NM_001082537.3); c.1066A>G, p.Ile356Val (NM_001173975.3); c.700A>G, p.Ile234Val (NM_001319681.2); c.1192A>G, p.Ile398Val (NM_024549.6); c.1010+665A>G (NM_001173976.2); c.1190+665A>G (NM_001319680.2); short protein forms I398V, I412V, I356V, I234V.
Identifiers: ClinVar variation 93533 (VCV000093533.48), dbSNP rs75714509, ClinGen allele CA147035.